The following is an entry in ClinVar:

ClinVar aggregate classification (germline): Uncertain significance (1 of 4 stars; one submission).

Submission:

Labcorp Genetics (formerly Invitae), Labcorp
Classification: Uncertain significance. Last evaluated: 2023-06-10. Review status: criteria provided, single submitter. Criteria: Invitae Variant Classification Sherloc (09022015). Collection method: clinical testing. Allele origin: germline.
Comment: In summary, the available evidence is currently insufficient to determine the role of this variant in disease. Therefore, it has been classified as a Variant of Uncertain Significance. Advanced modeling of protein sequence and biophysical properties (such as structural, functional, and spatial information, amino acid conservation, physicochemical variation, residue mobility, and thermodynamic stability) performed at Invitae indicates that this missense variant is not expected to disrupt C3 protein function. This variant has not been reported in the literature in individuals affected with C3-related conditions. This variant is not present in population databases (gnomAD no frequency). This sequence change replaces methionine, which is neutral and non-polar, with isoleucine, which is neutral and non-polar, at codon 1604 of the C3 protein (p.Met1604Ile).

NM_000064.4(C3):c.4812G>C (p.Met1604Ile)

Gene: C3 (complement C3; minus strand). Cytogenetic location: 19p13.3.
Variant type: single nucleotide variant.
Coding change: c.4812G>C on transcript NM_000064.4 (MANE Select); coding-DNA position 4812, G replaced by C.
Protein change: p.Met1604Ile; replaces methionine 1604 with isoleucine.
Molecular consequence: missense variant.
Genome position (GRCh38, 1-based): chr19:6,678,190, C>G on the plus strand (G>C on the coding strand, the complement: C3 is on the minus strand). VCF-style: chr19-6678190-C-G. GRCh37 (hg19) VCF-style: chr19-6678201-C-G.
Other names: short protein forms M1604I.
Identifiers: ClinVar variation 2708812 (VCV002708812.3), dbSNP rs2512224654, ClinGen allele CA403610926.